The following continues an entry in ClinVar:

NM_004985.5(KRAS):c.35G>A (p.Gly12Asp)

Gene: KRAS. ClinVar aggregate classification (germline): Pathogenic/Likely pathogenic. Pathogenic (13); Likely pathogenic (2). ClinVar aggregate classification (somatic clinical impact): Tier I - Strong. ClinVar aggregate classification (oncogenicity): Oncogenic.

Submissions 3 to 13 of 49:

Institute for Genomic Medicine (IGM) Clinical Laboratory, Nationwide Children's Hospital
Classification: Tier II - Potential for Medulloblastoma non-WNT/non-SHH. Assertion type: diagnostic. Clinical significance: supports diagnosis. Last evaluated: 2025-06-09. Review status: criteria provided, single submitter. Criteria: AMP/ASCO/CAP Guidelines, 2017. Collection method: clinical testing. Allele origin: somatic. Affected: yes. Not counted in ClinVar's aggregate classification.
Comment: Variant has Tier II (potential) clinical significance as a diagnostic inclusion criterion in medulloblastoma non-WNT/non-SHH, based on the following evidence: 1) Documented in one or more cancer databases (e.g., St. Jude Pecan, COSMIC, CIViC, OncoKB). 2) Information in the literature supports potential biologic effect of variant (PMIDs: 20570890, 26037647). 3) Diagnostic significance based on multiple small studies (Evidence Level C; PMIDs: 2056968, 28572459, 32725342, 40362343).

Department of Clinical Genetics, Copenhagen University Hospital, Rigshospitalet
Classification: Likely pathogenic for Linear nevus sebaceous syndrome. Last evaluated: 2025-04-30. Review status: criteria provided, single submitter. Criteria: ACMG Guidelines, 2015. Collection method: clinical testing. Allele origin: germline.
Comment: Detected variant allele frequency: 2%. The following ACMG criteria has been used: PS2_su, PS3_su, PM1_m, PP2_su, PP3_m

Institute for Genomic Medicine (IGM) Clinical Laboratory, Nationwide Children's Hospital
Classification: Tier I - Strong for Embryonal rhabdomyosarcoma. Assertion type: diagnostic. Clinical significance: supports diagnosis. Last evaluated: 2025-04-08. Review status: criteria provided, single submitter. Criteria: AMP/ASCO/CAP Guidelines, 2017. Collection method: clinical testing. Allele origin: somatic. Affected: yes.
Comment: Variant has Tier I (strong) clinical significance as a diagnostic inclusion criterion in embryonal rhabdomyosarcoma, based on the following evidence: 1) Documented in one or more cancer databases (e.g., St. Jude Pecan, COSMIC, CIViC, OncoKB). 2) Appears in one or more well-established professional guidelines (e.g., World Health Organization [WHO]; National Comprehensive Cancer Network [NCCN]) as providing diagnostic, prognostic, or therapeutic information. 3) Information in the literature supports potential biologic effect of variant (PMIDs: 20570890, 26037647, 15093544). 4) Diagnostic for a specific tumor type/classification based on well-powered studies with expert-level consensus (Evidence Level B; PMIDs: 24436047, 34166060, 25768946, 19681119, 24332040, 26138366).

Labcorp Genetics (formerly Invitae), Labcorp
Classification: Pathogenic for RASopathy. Last evaluated: 2025-04-02. Review status: criteria provided, single submitter. Criteria: Invitae Variant Classification Sherloc (09022015). Collection method: clinical testing. Allele origin: germline.
Comment: This sequence change replaces glycine, which is neutral and non-polar, with aspartic acid, which is acidic and polar, at codon 12 of the KRAS protein (p.Gly12Asp). The frequency data for this variant in the population databases is considered unreliable, as metrics indicate poor data quality at this position in the gnomAD database. This variant has been reported in the literature as a somatic event (present in tissue from a lesion but not in non-lesional tissue or peripheral blood) in individuals with congenital cutaneous disorders (PMID: 20805368, 22683711, 23096712, 23255105, 26521233). KRAS p.Gly12Asp is a frequently occurring somatic variant in several different types of cancers, including lung, ovarian, endometrial and pancreatic (PMID: 26861459, 1875403, 24629489, 23174937). ClinVar contains an entry for this variant (Variation ID: 12582). Invitae Evidence Modeling incorporating data from in vitro experimental studies (internal data) indicates that this missense variant is expected to disrupt KRAS function with a positive predictive value of 95%. Experimental studies have shown that this missense change affects KRAS function (PMID: 15093544, 25623042). For these reasons, this variant has been classified as Pathogenic.

Institute for Genomic Medicine (IGM) Clinical Laboratory, Nationwide Children's Hospital
Classification: Tier I - Strong for Glioma. Assertion type: diagnostic. Clinical significance: supports diagnosis. Last evaluated: 2025-03-24. Review status: criteria provided, single submitter. Criteria: AMP/ASCO/CAP Guidelines, 2017. Collection method: clinical testing. Allele origin: somatic. Affected: yes.
Comment: Variant has Tier I (strong) clinical significance as a diagnostic inclusion criterion in glioma, based on the following evidence: 1) Documented in one or more cancer databases (e.g., St. Jude Pecan, COSMIC, CIViC, OncoKB). 2) Appears in one or more well-established professional guidelines (e.g., World Health Organization [WHO]; National Comprehensive Cancer Network [NCCN]) as providing diagnostic, prognostic, or therapeutic information. 3) Information in the literature supports potential biologic effect of variant (PMIDs: 20570890, 26037647). 4) Diagnostic for a specific tumor type/classification based on well-powered studies with expert-level consensus (Evidence Level B; PMIDs: 32289278, 23817572, 29880043, 28912153, 37524847, 30710203).

Center for Genomic Medicine, Rigshospitalet, Copenhagen University Hospital
Classification: Oncogenic for Neoplasm. Last evaluated: 2025-03-04. Review status: criteria provided, single submitter. Criteria: ClinGen/CGC/VICC Guidelines for Oncogenicity, 2022. Collection method: clinical testing. Allele origin: somatic. Affected: yes.

Institute for Genomic Medicine (IGM) Clinical Laboratory, Nationwide Children's Hospital
Classification: Tier I - Strong for Papillary thyroid carcinoma. Assertion type: diagnostic. Clinical significance: supports diagnosis. Last evaluated: 2024-12-24. Review status: criteria provided, single submitter. Criteria: AMP/ASCO/CAP Guidelines, 2017. Collection method: clinical testing. Allele origin: somatic. Affected: yes.
Comment: Variant has Tier I (strong) clinical significance as a diagnostic inclusion criterion in thyroid gland papillary carcinoma, based on the following evidence: 1) Documented in one or more cancer databases (e.g., St. Jude Pecan, COSMIC, CIViC, OncoKB). 2) Appears in one or more well-established professional guidelines (e.g., World Health Organization [WHO]; National Comprehensive Cancer Network [NCCN]) as providing diagnostic, prognostic, or therapeutic information. 3) Information in the literature supports potential biologic effect of variant (PMIDs: 20570890, 26037647). 4) Diagnostic for a specific tumor type/classification based on well-powered studies with expert-level consensus (Evidence Level B; PMIDs: 25417114, 20824721, 20526288, 22150560, 23625203, 27494611, 32495721, 31540418).

Institute for Genomic Medicine (IGM) Clinical Laboratory, Nationwide Children's Hospital
Classification: Tier II - Potential for Diffuse midline glioma, H3 K27M-mutant. Assertion type: diagnostic. Clinical significance: supports diagnosis. Last evaluated: 2024-09-12. Review status: criteria provided, single submitter. Criteria: AMP/ASCO/CAP Guidelines, 2017. Collection method: clinical testing. Allele origin: somatic. Affected: yes. Not counted in ClinVar's aggregate classification.
Comment: Variant has Tier II (potential) clinical significance as a diagnostic inclusion criterion in diffuse midline glioma, H3 K27M-mutant, based on the following evidence: 1) Documented in one or more cancer databases (e.g., St. Jude Pecan, COSMIC, CIViC, OncoKB). 2) Information in the literature supports potential biologic effect of variant (PMIDs: 20570890, 26037647). 3) Diagnostic significance based on multiple small studies (Evidence Level C; PMIDs: 24705251, 28966033, 28912153, 35363510).

Institute for Genomic Medicine (IGM) Clinical Laboratory, Nationwide Children's Hospital
Classification: Tier I - Strong for Ovarian mucinous adenocarcinoma. Assertion type: diagnostic. Clinical significance: supports diagnosis. Last evaluated: 2024-08-13. Review status: criteria provided, single submitter. Criteria: AMP/ASCO/CAP Guidelines, 2017. Collection method: clinical testing. Allele origin: somatic. Affected: yes.
Comment: Variant has Tier I (strong) clinical significance as a diagnostic inclusion criterion in ovarian mucinous adenocarcinoma, based on the following evidence: 1) Documented in one or more cancer databases (e.g., St. Jude Pecan, COSMIC, CIViC, OncoKB). 2) Appears in one or more well-established professional guidelines (e.g., World Health Organization [WHO]; National Comprehensive Cancer Network [NCCN]) as providing diagnostic, prognostic, or therapeutic information. 3) Information in the literature supports potential biologic effect of variant (PMIDs: 20570890, 26037647). 4) Diagnostic for a specific tumor type/classification based on well-powered studies with expert-level consensus (Evidence Level B; PMIDs: 23965232, 31477716, 26257827, 29793804).

Institute for Genomic Medicine (IGM) Clinical Laboratory, Nationwide Children's Hospital
Classification: Tier II - Potential for Alveolar rhabdomyosarcoma. Assertion type: diagnostic. Clinical significance: supports diagnosis. Last evaluated: 2024-07-09. Review status: criteria provided, single submitter. Criteria: AMP/ASCO/CAP Guidelines, 2017. Collection method: clinical testing. Allele origin: somatic. Affected: yes. Not counted in ClinVar's aggregate classification.
Comment: Variant has Tier II (potential) clinical significance as a diagnostic inclusion criterion in alveolar rhabdomyosarcoma, based on the following evidence: 1) Documented in one or more cancer databases (e.g., St. Jude Pecan, COSMIC, CIViC, OncoKB). 2) Information in the literature supports potential biologic effect of variant (PMIDs: 20570890, 26037647). 3) Diagnostic significance based on multiple small studies (Evidence Level C; PMIDs: 24436047, 34166060, 26138366, 24332040).

Institute for Genomic Medicine (IGM) Clinical Laboratory, Nationwide Children's Hospital
Classification: Tier I - Strong for Adenocarcinoma of the large intestine. Assertion type: diagnostic. Clinical significance: supports diagnosis. Last evaluated: 2024-04-09. Review status: criteria provided, single submitter. Criteria: AMP/ASCO/CAP Guidelines, 2017. Collection method: clinical testing. Allele origin: somatic. Affected: yes.
Comment: Variant has Tier I (strong) clinical significance as a diagnostic inclusion criterion in colorectal adenocarcinoma, based on the following evidence: 1) Documented in one or more cancer databases (e.g., St. Jude Pecan, COSMIC, CIViC, OncoKB). 2) Appears in one or more well-established professional guidelines (e.g., World Health Organization [WHO]; National Comprehensive Cancer Network [NCCN]) as providing diagnostic, prognostic, or therapeutic information. 3) Information in the literature supports potential biologic effect of variant (PMIDs: 20570890, 26037647). 4) Diagnostic for a specific tumor type/classification based on well-powered studies with expert-level consensus (Evidence Level B; PMIDs: 22810696, 27325016).